The following is an entry in ClinVar:

NM_014956.5(CEP164):c.2630G>A (p.Arg877Gln)

Gene: CEP164 (centrosomal protein 164; plus strand). Cytogenetic location: 11q23.3.
Variant type: single nucleotide variant.
Coding change: c.2630G>A on transcript NM_014956.5 (MANE Select); coding-DNA position 2630, G replaced by A.
Protein change: p.Arg877Gln; replaces arginine 877 with glutamine.
Molecular consequence: missense variant.
Genome position (GRCh38, 1-based): chr11:117,394,363, G>A. VCF-style: chr11-117394363-G-A. GRCh37 (hg19) VCF-style: chr11-117265079-G-A.
Other names: c.2639G>A, p.Arg880Gln (NM_001271933.2); c.2630G>A (NM_014956.4); short protein forms R877Q, R880Q.
Identifiers: ClinVar variation 1397924 (VCV001397924.9), dbSNP rs756048473, ClinGen allele CA382727845.

ClinVar aggregate classification (germline): Uncertain significance. Review status: criteria provided, multiple submitters, no conflicts (2 of 4 stars). 4 submissions from 4 submitters: Uncertain significance (3). 1 of the submissions does not count toward it. Last evaluated 2025-06-12.

Conditions:
Inborn genetic diseases. Identifiers: MedGen C0950123, MeSH D030342.
Nephronophthisis 15 (NPHP15). Identifiers: Orphanet 3156, MedGen C3541853, MONDO:0013917, OMIM 614845.
CEP164-related disorder. Also called: CEP164-related condition.

Allele frequency attached by ClinVar (database versions not stated): gnomAD 0.00002 and 0.00003; TOPMed 0.00001.
gnomAD v4.1: 15 of 1,602,796 alleles (0.00094%); highest among the groups gnomAD compares: Middle Eastern, 0.017%; no homozygotes.

Submissions (4):

Ambry Genetics
Classification: Uncertain significance for Inborn genetic diseases. Last evaluated: 2025-06-12. Review status: criteria provided, single submitter. Criteria: Ambry Variant Classification Scheme 2023. Collection method: clinical testing. Allele origin: germline.

Fulgent Genetics
Classification: Uncertain significance for Nephronophthisis 15. Last evaluated: 2024-03-27. Review status: criteria provided, single submitter. Criteria: ACMG Guidelines, 2015. Collection method: clinical testing. Allele origin: germline.

Labcorp Genetics (formerly Invitae), Labcorp
Classification: Uncertain significance for Nephronophthisis 15. Last evaluated: 2024-01-17. Review status: criteria provided, single submitter. Criteria: Invitae Variant Classification Sherloc (09022015). Collection method: clinical testing. Allele origin: germline.
Comment: This sequence change replaces arginine, which is basic and polar, with glutamine, which is neutral and polar, at codon 877 of the CEP164 protein (p.Arg877Gln). This variant is present in population databases (no rsID available, gnomAD 0.01%). This variant has not been reported in the literature in individuals affected with CEP164-related conditions. ClinVar contains an entry for this variant (Variation ID: 1397924). Advanced modeling of protein sequence and biophysical properties (such as structural, functional, and spatial information, amino acid conservation, physicochemical variation, residue mobility, and thermodynamic stability) performed at Invitae indicates that this missense variant is expected to disrupt CEP164 protein function with a positive predictive value of 80%. In summary, the available evidence is currently insufficient to determine the role of this variant in disease. Therefore, it has been classified as a Variant of Uncertain Significance.

PreventionGenetics, part of Exact Sciences
Classification: Uncertain significance for CEP164-related condition. Last evaluated: 2024-08-09. Review status: no assertion criteria provided. Collection method: clinical testing. Allele origin: germline. Not counted in ClinVar's aggregate classification.
Comment: The CEP164 c.2630G>A variant is predicted to result in the amino acid substitution p.Arg877Gln. To our knowledge, this variant has not been reported in the literature. This variant is reported in 0.012% of alleles in individuals of Latino descent in gnomAD. At this time, the clinical significance of this variant is uncertain due to the absence of conclusive functional and genetic evidence.